The following is an entry in ClinVar:

NM_001365999.1(SZT2):c.9049A>G (p.Met3017Val)

Gene: SZT2 (SZT2 subunit of KICSTOR complex; plus strand). Cytogenetic location: 1p34.2.
Variant type: single nucleotide variant.
Coding change: c.9049A>G on transcript NM_001365999.1 (MANE Select); coding-DNA position 9049, A replaced by G.
Protein change: p.Met3017Val; replaces methionine 3017 with valine.
Molecular consequence: missense variant.
Genome position (GRCh38, 1-based): chr1:43,446,393, A>G. VCF-style: chr1-43446393-A-G. GRCh37 (hg19) VCF-style: chr1-43912064-A-G.
Other names: c.8878A>G, p.Met2960Val (NM_015284.4); short protein forms M2960V, M3017V.
Identifiers: ClinVar variation 589117 (VCV000589117.19), dbSNP rs143624137, ClinGen allele CA810797.
Genomic context (GRCh38, chr1:43,446,393, plus strand): 5'-TCCCTCCAGGGCTGTTACTTCTGTGTCAAACAGTTTGCCCTGGAATGTTCCCGAATCCCA[A>G]TGGGGCAGGCTGTCAACTCACAGGTATGTGAATGAGCTGCGGGCACAGTCAGTGCACCCC-3'
Protein context (NP_001352928.1, residues 3007-3027): QFALECSRIP[Met3017Val]GQAVNSQLSM

ClinVar aggregate classification (germline): Uncertain significance. Review status: criteria provided, multiple submitters, no conflicts (2 of 4 stars). 6 submissions from 6 submitters: Uncertain significance (6). Last evaluated 2025-12-31.

Conditions:
Inborn genetic diseases. Identifiers: MedGen C0950123, MeSH D030342.
Developmental and epileptic encephalopathy, 18 (DEE18). Also called: Early infantile epileptic encephalopathy 18. Identifiers: Orphanet 369894, MedGen C3809624, MONDO:0014201, OMIM 615476.

Allele frequency attached by ClinVar (database versions not stated): gnomAD 0.00007; TOPMed 0.00007; ExAC 0.00008; ESP Exome Variant Server 0.00008; gnomAD exomes 0.00008; 1000 Genomes Project 30x 0.00016; 1000 Genomes Project 0.00020.
gnomAD v4.1: 144 of 1,614,248 alleles (0.0089%); highest among the groups gnomAD compares: Middle Eastern, 0.049%; no homozygotes.

Submissions (6):

Labcorp Genetics (formerly Invitae), Labcorp
Classification: Uncertain significance. Last evaluated: 2025-12-31. Review status: criteria provided, single submitter. Criteria: Invitae Variant Classification Sherloc (09022015). Collection method: clinical testing. Allele origin: germline.
Comment: This sequence change replaces methionine, which is neutral and non-polar, with valine, which is neutral and non-polar, at codon 2960 of the SZT2 protein (p.Met2960Val). This variant is present in population databases (rs143624137, gnomAD 0.02%). This variant has not been reported in the literature in individuals affected with SZT2-related conditions. ClinVar contains an entry for this variant (Variation ID: 589117). Invitae Evidence Modeling of protein sequence and biophysical properties (such as structural, functional, and spatial information, amino acid conservation, physicochemical variation, residue mobility, and thermodynamic stability) indicates that this missense variant is not expected to disrupt SZT2 protein function with a negative predictive value of 80%. In summary, the available evidence is currently insufficient to determine the role of this variant in disease. Therefore, it has been classified as a Variant of Uncertain Significance.

GeneDx
Classification: Uncertain significance. Last evaluated: 2025-11-17. Review status: criteria provided, single submitter. Criteria: GeneDx Variant Classification Process June 2021. Collection method: clinical testing. Allele origin: germline.
Comment: Not observed at significant frequency in large population cohorts (gnomAD); In silico analysis suggests that this missense variant does not alter protein structure/function; Has not been previously published as pathogenic or benign to our knowledge

Ambry Genetics
Classification: Uncertain significance for Inborn genetic diseases. Last evaluated: 2025-01-24. Review status: criteria provided, single submitter. Criteria: Ambry Variant Classification Scheme 2023. Collection method: clinical testing. Allele origin: germline.

Victorian Clinical Genetics Services, Murdoch Childrens Research Institute
Classification: Uncertain significance for Developmental and epileptic encephalopathy, 18. Last evaluated: 2023-12-21. Review status: criteria provided, single submitter. Criteria: ACMG Guidelines, 2015. Collection method: clinical testing. Allele origin: germline. Inheritance: Autosomal recessive inheritance. Affected: yes.
Comment: Based on the classification scheme VCGS_Germline_v1.3.4, this variant is classified as VUS-3B. Following criteria are met: 0102 - Loss of function is a known mechanism of disease in this gene and is associated with developmental and epileptic encephalopathy 18 (MIM#615476). (I) 0106 - This gene is associated with autosomal recessive disease. (I) 0200 - Variant is predicted to result in a missense amino acid change from methionine to valine. (I) 0251 - This variant is heterozygous. (I) 0304 - Variant is present in gnomAD (v2) <0.01 for a recessive condition (21 heterozygotes, 0 homozygotes). (SP) 0502 - Missense variant with conflicting in silico predictions and uninformative conservation. (I) 0604 - Variant is not located in an established domain, motif, hotspot or informative constraint region. (I) 0705 - No comparable missense variants have previous evidence for pathogenicity. (I) 0809 - Previous evidence of pathogenicity for this variant is inconclusive. This variant has been reported as a VUS (ClinVar). (I) 0905 - No published segregation evidence has been identified for this variant. (I) 1007 - No published functional evidence has been identified for this variant. (I) Legend: (SP) - Supporting pathogenic, (I) - Information, (SB) - Supporting benign

Genome-Nilou Lab
Classification: Uncertain significance for Developmental and epileptic encephalopathy, 18. Last evaluated: 2023-04-11. Review status: criteria provided, single submitter. Criteria: ACMG Guidelines, 2015. Collection method: clinical testing. Allele origin: germline. Affected: no.

Revvity Omics, Revvity
Classification: Uncertain significance for Developmental and epileptic encephalopathy, 18. Last evaluated: 2022-01-12. Review status: criteria provided, single submitter. Criteria: ACMG Guidelines, 2015. Collection method: clinical testing. Allele origin: germline.